The following is an entry in ClinVar:

NM_022489.4(INF2):c.226CTG[2] (p.Leu78del)

Gene: INF2 (inverted formin 2; plus strand). Cytogenetic location: 14q32.33.
Variant type: Microsatellite.
Coding change: c.226CTG[2] on transcript NM_022489.4 (MANE Select); two copies in a row of the 3-base unit CTG starting at c.226; the reference has three copies in a row; one copy, 3 bases deleted.
Protein change: p.Leu78del; deletes leucine 78.
Molecular consequence: inframe deletion.
Genome position (GRCh38, 1-based): chr14:104,701,597-104,701,599, CTG deleted; deleting any 3 consecutive bases within chr14:104,701,591-104,701,599 gives the same sequence; the position shown is the placement nearest the transcript's 3' end. VCF-style (leftmost placement, unchanged base first): chr14-104701590-CCTG-C. GRCh37 (hg19) VCF-style: chr14-105167927-CCTG-C.
Other names: c.226CTG[2], p.Leu78del (NM_001031714.4, NM_032714.3); short protein forms L78del.
Identifiers: ClinVar variation 976701 (VCV000976701.8), dbSNP rs1889499325, ClinGen allele CA2160924684.
Genomic context (GRCh38, chr14:104,701,590, plus strand): 5'-GCGCCTGGAGGGCAGCGACGGCGGCTGGATGGTGCAGTTCCTGGAGCAGAGCGGCCTGGA[CCTG>C]CTGCTGGAGGCGCTGGCGCGGCTGTCGGGCCGCGGCGTTGCACGTATCTCCGACGCCCTG-3'

ClinVar aggregate classification (germline): Conflicting classifications of pathogenicity. Review status: criteria provided, conflicting classifications (1 of 4 stars). 2 submissions from 2 submitters: Likely pathogenic (1); Uncertain significance (1). Last evaluated 2022-05-27.

Conditions:
Charcot-Marie-Tooth disease dominant intermediate E. Also called: CHARCOT-MARIE-TOOTH NEUROPATHY WITH FOCAL SEGMENTAL GLOMERULONEPHRITIS. Identifiers: Orphanet 93114, MedGen C4302667, MONDO:0013758, OMIM 614455.
Focal segmental glomerulosclerosis 5 (FSGS5). Identifiers: Orphanet 656, MedGen C2750475, MONDO:0013191, OMIM 613237.

Submissions (2):

Labcorp Genetics (formerly Invitae), Labcorp
Classification: Uncertain significance for Charcot-Marie-Tooth disease dominant intermediate E; Focal segmental glomerulosclerosis 5. Last evaluated: 2022-05-27. Review status: criteria provided, single submitter. Criteria: Invitae Variant Classification Sherloc (09022015). Collection method: clinical testing. Allele origin: germline.
Comment: Experimental studies and prediction algorithms are not available or were not evaluated, and the functional significance of this variant is currently unknown. In summary, the available evidence is currently insufficient to determine the role of this variant in disease. Therefore, it has been classified as a Variant of Uncertain Significance. This variant has not been reported in the literature in individuals affected with INF2-related conditions. This variant, c.232_234del, results in the deletion of 1 amino acid(s) of the INF2 protein (p.Leu78del), but otherwise preserves the integrity of the reading frame. This variant is not present in population databases (gnomAD no frequency).

Institute of Human Genetics Munich, TUM University Hospital
Classification: Likely pathogenic for Charcot-Marie-Tooth disease dominant intermediate E. Last evaluated: 2020-03-06. Review status: criteria provided, single submitter. Criteria: Classification criteria August 2017. Collection method: clinical testing. Allele origin: de novo. Inheritance: Autosomal dominant inheritance. Affected: yes. Observed: 1 heterozygote.